The following is an entry in ClinVar:

NM_032108.4(SEMA6B):c.262G>T (p.Val88Leu)

Gene: SEMA6B (semaphorin 6B; minus strand). Cytogenetic location: 19p13.3.
Variant type: single nucleotide variant.
Coding change: c.262G>T on transcript NM_032108.4 (MANE Select); coding-DNA position 262, G replaced by T.
Protein change: p.Val88Leu; replaces valine 88 with leucine.
Molecular consequence: missense variant.
Genome position (GRCh38, 1-based): chr19:4,557,207, C>A on the plus strand (G>T on the coding strand, the complement: SEMA6B is on the minus strand). VCF-style: chr19-4557207-C-A. GRCh37 (hg19) VCF-style: chr19-4557219-C-A.
Other names: c.262G>T (NM_032108.3); short protein forms V88L.
Identifiers: ClinVar variation 1380216 (VCV001380216.7), dbSNP rs1179507289, ClinGen allele CA403471505.
Genomic context (GRCh38, chr19:4,557,207, plus strand): 5'-TGCACCCCTTCCTCACCCTCTGGTACCGCAGCTCCGTGGACGTGGGGGGCTCCAGCTCTA[C>A]GCGGTAGAGGTTGTCCCTGGGGGAGGGGCATAGTTAGTGAGAACTGGGGGCTCCGCCACC-3'
Protein context (NP_115484.2, residues 78-98): FIGDRDNLYR[Val88Leu]ELEPPTSTEL

ClinVar aggregate classification (germline): Uncertain significance. Review status: criteria provided, multiple submitters, no conflicts (2 of 4 stars). 2 submissions from 2 submitters: Uncertain significance (2). Last evaluated 2025-11-04.

Conditions:
Inborn genetic diseases. Identifiers: MedGen C0950123, MeSH D030342.

Allele frequency attached by ClinVar (database versions not stated): gnomAD exomes below 0.00001; TOPMed 0.00001.

Submissions (2):

Labcorp Genetics (formerly Invitae), Labcorp
Classification: Uncertain significance. Last evaluated: 2025-11-04. Review status: criteria provided, single submitter. Criteria: Invitae Variant Classification Sherloc (09022015). Collection method: clinical testing. Allele origin: germline.
Comment: This sequence change replaces valine, which is neutral and non-polar, with leucine, which is neutral and non-polar, at codon 88 of the SEMA6B protein (p.Val88Leu). The frequency data for this variant in the population databases is considered unreliable, as metrics indicate poor data quality at this position in the gnomAD database. This missense change has been observed in individual(s) with clinical features of SEMA6B-related conditions (internal data). ClinVar contains an entry for this variant (Variation ID: 1380216). An algorithm developed to predict the effect of missense changes on protein structure and function (PolyPhen-2) suggests that this variant is likely to be disruptive. In summary, the available evidence is currently insufficient to determine the role of this variant in disease. Therefore, it has been classified as a Variant of Uncertain Significance.

Ambry Genetics
Classification: Uncertain significance for Inborn genetic diseases. Last evaluated: 2025-07-08. Review status: criteria provided, single submitter. Criteria: Ambry Variant Classification Scheme 2023. Collection method: clinical testing. Allele origin: germline.